The following is an entry in ClinVar:

ClinVar aggregate classification (germline): Uncertain significance. Review status: criteria provided, multiple submitters, no conflicts (2 of 4 stars). 2 submissions from 2 submitters: Uncertain significance (2). Last evaluated 2024-11-20.

Submissions (2):

Dasa
Classification: Uncertain significance. Last evaluated: 2024-11-20. Review status: criteria provided, single submitter. Criteria: DASA Assertion Criteria. Collection method: clinical testing. Allele origin: germline.
Comment: NM_182972.3(IRF2BP2):c.1570G>A (p.Val524Ile) is a missense variant that results in the substitution of valine with isoleucine. This variant is rare in population databases. Computational prediction algorithms are consistent with a benign effect. The currently available literature and clinical evidence are not sufficient to establish a definitive association between this variant and the reported condition. Therefore, this variant is classified as a variant of uncertain significance.

Women's Health and Genetics/Laboratory Corporation of America, LabCorp
Classification: Uncertain significance. Last evaluated: 2024-06-26. Review status: criteria provided, single submitter. Criteria: LabCorp Variant Classification Summary - May 2015. Collection method: clinical testing. Allele origin: germline.
Comment: Variant summary: IRF2BP2 c.1570G>A (p.Val524Ile) results in a conservative amino acid change in the encoded protein sequence. Three of five in-silico tools predict a damaging effect of the variant on protein function. The variant was absent in 251442 control chromosomes. The available data on variant occurrences in the general population are insufficient to allow any conclusion about variant significance. To our knowledge, no occurrence of c.1570G>A in individuals affected with Immunodeficiency, Common Variable, 14 and no experimental evidence demonstrating its impact on protein function have been reported. No submitters have cited clinical-significance assessments for this variant to ClinVar. Based on the evidence outlined above, the variant was classified as uncertain significance.

NM_182972.3(IRF2BP2):c.1570G>A (p.Val524Ile)

Gene: IRF2BP2 (interferon regulatory factor 2 binding protein 2; minus strand). Cytogenetic location: 1q42.3.
Variant type: single nucleotide variant.
Coding change: c.1570G>A on transcript NM_182972.3 (MANE Select); coding-DNA position 1570, G replaced by A.
Protein change: p.Val524Ile; replaces valine 524 with isoleucine.
Molecular consequence: missense variant.
Genome position (GRCh38, 1-based): chr1:234,607,331, C>T on the plus strand (G>A on the coding strand, the complement: IRF2BP2 is on the minus strand). VCF-style: chr1-234607331-C-T. GRCh37 (hg19) VCF-style: chr1-234743077-C-T.
Other names: c.1522G>A, p.Val508Ile (NM_001077397.1); short protein forms V508I, V524I.
Identifiers: ClinVar variation 3339645 (VCV003339645.3).